The following is an entry in ClinVar:

ClinVar aggregate classification (germline): Uncertain significance (1 of 4 stars; one submission).

Allele frequency attached by ClinVar (database versions not stated): ESP Exome Variant Server 0.00008; gnomAD 0.00015; TOPMed 0.00019; ExAC 0.00026.

Submissions (2):

Labcorp Genetics (formerly Invitae), Labcorp
Classification: Uncertain significance. Last evaluated: 2025-09-23. Review status: criteria provided, single submitter. Criteria: Invitae Variant Classification Sherloc (09022015). Collection method: clinical testing. Allele origin: germline.
Comment: This sequence change replaces alanine, which is neutral and non-polar, with valine, which is neutral and non-polar, at codon 309 of the SLC19A1 protein (p.Ala309Val). This variant is present in population databases (rs373685390, gnomAD 0.04%). This variant has not been reported in the literature in individuals affected with SLC19A1-related conditions. ClinVar contains an entry for this variant (Variation ID: 2072870). An algorithm developed to predict the effect of missense changes on protein structure and function outputs the following: PolyPhen-2: "Benign". The valine amino acid residue is found in multiple mammalian species, which suggests that this missense change does not adversely affect protein function. In summary, the available evidence is currently insufficient to determine the role of this variant in disease. Therefore, it has been classified as a Variant of Uncertain Significance.

Dr. Peter K. Rogan Lab, Western University
No classification provided (evidence only). Condition: Familial cancer of breast. Review status: no classification provided. Collection method: in vitro. Allele origin: not applicable. Functional consequence: retained intron. Not counted in ClinVar's aggregate classification.

NM_194255.4(SLC19A1):c.926C>T (p.Ala309Val)

Gene: SLC19A1 (solute carrier family 19 member 1; minus strand). Cytogenetic location: 21q22.3.
Variant type: single nucleotide variant.
Coding change: c.926C>T on transcript NM_194255.4 (MANE Select); coding-DNA position 926, C replaced by T.
Protein change: p.Ala309Val; replaces alanine 309 with valine.
Molecular consequence: missense variant.
Genome position (GRCh38, 1-based): chr21:45,531,412, G>A on the plus strand (C>T on the coding strand, the complement: SLC19A1 is on the minus strand). VCF-style: chr21-45531412-G-A. GRCh37 (hg19) VCF-style: chr21-46951326-G-A.
Other names: c.926C>T, p.Ala309Val (NM_001205206.4, NM_001352511.3, NM_001352512.2); c.806C>T, p.Ala269Val (NM_001205207.3); c.572C>T, p.Ala191Val (NM_001352510.2); short protein forms A269V, A191V, A309V.
Identifiers: ClinVar variation 2072870 (VCV002072870.5), dbSNP rs373685390, ClinGen allele CA10068495.